The following is an entry in ClinVar:

ClinVar aggregate classification (germline): Uncertain significance. Review status: criteria provided, multiple submitters, no conflicts (2 of 4 stars). 2 submissions from 2 submitters: Uncertain significance (2). Last evaluated 2025-01-13.

Allele frequency attached by ClinVar (database versions not stated): ExAC 0.00001; gnomAD exomes 0.00001; gnomAD 0.00008; TOPMed 0.00012; ESP Exome Variant Server 0.00015.
gnomAD v4.1: 24 of 1,610,616 alleles (0.0015%); highest among the groups gnomAD compares: African/African-American, 0.019%; no homozygotes.

Submissions (2):

Women's Health and Genetics/Laboratory Corporation of America, LabCorp
Classification: Uncertain significance. Last evaluated: 2025-01-13. Review status: criteria provided, single submitter. Criteria: LabCorp Variant Classification Summary - May 2015. Collection method: clinical testing. Allele origin: germline.
Comment: Variant summary: PIK3C2A c.3463A>G (p.Ile1155Val) results in a conservative amino acid change located in the Protein kinase-like (PK-like) domain of the encoded protein sequence. Four of five in-silico tools predict a benign effect of the variant on protein function. The variant allele was found at a frequency of 8e-06 in 250448 control chromosomes. The available data on variant occurrences in the general population are insufficient to allow any conclusion about variant significance. To our knowledge, no occurrence of c.3463A>G in individuals affected with Oculocerebrodental Syndrome and no experimental evidence demonstrating its impact on protein function have been reported. ClinVar contains an entry for this variant (Variation ID: 2370911). Based on the evidence outlined above, the variant was classified as uncertain significance.

Ambry Genetics
Classification: Uncertain significance. Last evaluated: 2021-08-10. Review status: criteria provided, single submitter. Criteria: Ambry Variant Classification Scheme 2023. Collection method: clinical testing. Allele origin: germline.

NM_002645.4(PIK3C2A):c.3463A>G (p.Ile1155Val)

Gene: PIK3C2A (phosphatidylinositol-4-phosphate 3-kinase catalytic subunit type 2 alpha; minus strand). Cytogenetic location: 11p15.1.
Variant type: single nucleotide variant.
Coding change: c.3463A>G on transcript NM_002645.4 (MANE Select); coding-DNA position 3463, A replaced by G.
Protein change: p.Ile1155Val; replaces isoleucine 1155 with valine.
Molecular consequence: missense variant.
Genome position (GRCh38, 1-based): chr11:17,110,513, T>C on the plus strand (A>G on the coding strand, the complement: PIK3C2A is on the minus strand). VCF-style: chr11-17110513-T-C. GRCh37 (hg19) VCF-style: chr11-17132060-T-C.
Other names: c.3463A>G, p.Ile1155Val (NM_001321378.2); c.2323A>G, p.Ile775Val (NM_001321380.2); c.3295A>G, p.Ile1099Val (NM_001386870.1); short protein forms I1099V, I1155V, I775V.
Identifiers: ClinVar variation 2370911 (VCV002370911.4), dbSNP rs142162847, ClinGen allele CA5900762.